The following is an entry in ClinVar:

NM_000292.3(PHKA2):c.3311T>C (p.Val1104Ala)

Gene: PHKA2 (phosphorylase kinase regulatory subunit alpha 2; minus strand). Cytogenetic location: Xp22.13.
Variant type: single nucleotide variant.
Coding change: c.3311T>C on transcript NM_000292.3 (MANE Select); coding-DNA position 3311, T replaced by C.
Protein change: p.Val1104Ala; replaces valine 1104 with alanine.
Molecular consequence: missense variant.
Genome position (GRCh38, 1-based): chrX:18,895,163, A>G on the plus strand (T>C on the coding strand, the complement: PHKA2 is on the minus strand). VCF-style: chrX-18895163-A-G. GRCh37 (hg19) VCF-style: chrX-18913281-A-G.
Other names: short protein forms V1104A.
Identifiers: ClinVar variation 1310043 (VCV001310043.2), dbSNP rs1244348498, ClinGen allele CA412376809.

ClinVar aggregate classification (germline): Uncertain significance (1 of 4 stars; one submission).

Allele frequency attached by ClinVar (database versions not stated): TOPMed 0.00001; gnomAD 0.00002; gnomAD exomes 0.00003.
gnomAD v4.1: 29 of 1,209,238 alleles (0.0024%); highest among the groups gnomAD compares: Non-Finnish European, 0.0032%; no homozygotes.

Submission:

GeneDx
Classification: Uncertain significance. Last evaluated: 2019-09-05. Review status: criteria provided, single submitter. Criteria: GeneDx Variant Classification Process June 2021. Collection method: clinical testing. Allele origin: germline. Affected: yes.
Comment: Not observed in large population cohorts (Lek et al., 2016); In silico analysis, which includes protein predictors and evolutionary conservation, supports a deleterious effect; Has not been previously published as pathogenic or benign to our knowledge